The following is an entry in ClinVar:

NM_001042492.3(NF1):c.3392A>G (p.Lys1131Arg)

Gene: NF1 (neurofibromin 1; plus strand). Cytogenetic location: 17q11.2.
Variant type: single nucleotide variant.
Coding change: c.3392A>G on transcript NM_001042492.3 (MANE Select); coding-DNA position 3392, A replaced by G.
Protein change: p.Lys1131Arg; replaces lysine 1131 with arginine.
Molecular consequence: missense variant.
Genome position (GRCh38, 1-based): chr17:31,232,777, A>G. VCF-style: chr17-31232777-A-G. GRCh37 (hg19) VCF-style: chr17-29559795-A-G.
Other names: c.3392A>G, p.Lys1131Arg (NM_000267.4); short protein forms K1131R.
Identifiers: ClinVar variation 4529521 (VCV004529521.1).

ClinVar aggregate classification (germline): Uncertain significance (1 of 4 stars; one submission).

Submission:

GeneDx
Classification: Uncertain significance. Last evaluated: 2025-05-15. Review status: criteria provided, single submitter. Criteria: GeneDx Variant Classification Process June 2021. Collection method: clinical testing. Allele origin: germline. Affected: yes.
Comment: Not observed at significant frequency in large population cohorts (gnomAD); In silico analysis suggests that this missense variant does not alter protein structure/function; Has not been previously published as pathogenic or benign to our knowledge; This variant is associated with the following publications: (PMID: 25486365, 2121369, 22807134)